The following is an entry in ClinVar:

NM_018451.5(CPAP):c.769A>G (p.Lys257Glu)

Gene: CPAP (centrosome assembly and centriole elongation protein; minus strand). Cytogenetic location: 13q12.13.
Variant type: single nucleotide variant.
Coding change: c.769A>G on transcript NM_018451.5 (MANE Select); coding-DNA position 769, A replaced by G.
Protein change: p.Lys257Glu; replaces lysine 257 with glutamic acid.
Molecular consequence: missense variant. On other transcripts: non-coding transcript variant (2).
Genome position (GRCh38, 1-based): chr13:24,909,886, T>C on the plus strand (A>G on the coding strand, the complement: CPAP is on the minus strand). VCF-style: chr13-24909886-T-C. GRCh37 (hg19) VCF-style: chr13-25484024-T-C.
Other names: short protein forms K257E.
Identifiers: ClinVar variation 1358035 (VCV001358035.5), dbSNP rs776969572, ClinGen allele CA6919930.

ClinVar aggregate classification (germline): Uncertain significance (1 of 4 stars; one submission).

Allele frequency attached by ClinVar (database versions not stated): gnomAD exomes 0.00001 and 0.00005; ExAC 0.00002; TOPMed 0.00002.
gnomAD v4.1: 16 of 1,614,082 alleles (0.00099%); highest among the groups gnomAD compares: Admixed American, 0.025%; no homozygotes.

Submission:

Labcorp Genetics (formerly Invitae), Labcorp
Classification: Uncertain significance. Last evaluated: 2022-07-19. Review status: criteria provided, single submitter. Criteria: Invitae Variant Classification Sherloc (09022015). Collection method: clinical testing. Allele origin: germline.
Comment: This sequence change replaces lysine, which is basic and polar, with glutamic acid, which is acidic and polar, at codon 257 of the CENPJ protein (p.Lys257Glu). This variant is present in population databases (rs776969572, gnomAD 0.04%). This variant has not been reported in the literature in individuals affected with CENPJ-related conditions. ClinVar contains an entry for this variant (Variation ID: 1358035). Algorithms developed to predict the effect of missense changes on protein structure and function output the following: SIFT: "Tolerated"; PolyPhen-2: "Benign"; Align-GVGD: "Class C0". The glutamic acid amino acid residue is found in multiple mammalian species, which suggests that this missense change does not adversely affect protein function. Algorithms developed to predict the effect of sequence changes on RNA splicing suggest that this variant may create or strengthen a splice site. In summary, the available evidence is currently insufficient to determine the role of this variant in disease. Therefore, it has been classified as a Variant of Uncertain Significance.